The following is an entry in ClinVar:

NM_006949.4(STXBP2):c.48C>T (p.Ser16=)

Gene: STXBP2 (syntaxin binding protein 2; plus strand). Cytogenetic location: 19p13.2.
Variant type: single nucleotide variant.
Coding change: c.48C>T on transcript NM_006949.4 (MANE Select); coding-DNA position 48, C replaced by T.
Protein change: p.Ser16=; no amino-acid change (serine 16 retained).
Molecular consequence: synonymous variant. On other transcripts: non-coding transcript variant (1).
Genome position (GRCh38, 1-based): chr19:7,638,736, C>T. VCF-style: chr19-7638736-C-T. GRCh37 (hg19) VCF-style: chr19-7703622-C-T.
Other names: c.48C>T, p.Ser16= (NM_001127396.3, NM_001272034.2); c.48C>T (NM_006949.3).
Identifiers: ClinVar variation 1570400 (VCV001570400.10), dbSNP rs138548712, ClinGen allele CA304903259.
Genomic context (GRCh38, chr19:7,638,736, plus strand): 5'-GGTGGGACCAGAGAACCAGCATTCTGACCCCTCCCCTCCCTTCCCTGCAGAAATTCTGAG[C>T]GGAGTTATTCGGAGTGTCAAGAAGGATGGGGAGTGGAAGGTAGGGGTGAGGCAGATGGCT-3'
Protein context (NP_008880.2, residues 6-26): LKAVVGEKIL[Ser16=]GVIRSVKKDG

ClinVar aggregate classification (germline): Likely benign. Review status: criteria provided, single submitter (1 of 4 stars). 2 submissions from 2 submitters: Likely benign (1). 1 of the submissions does not count toward it. Last evaluated 2026-01-28.

Conditions:
STXBP2-related disorder. Also called: STXBP2-related condition.
Familial hemophagocytic lymphohistiocytosis 5. Also called: STXBP2-Related Familial Hemophagocytic Lymphohistiocytosis (STXBP2-fHLH). Identifiers: Orphanet 540, MedGen C2751293, MONDO:0013135, OMIM 613101.

Allele frequency attached by ClinVar (database versions not stated): gnomAD exomes 0.00001 and 0.00002; ESP Exome Variant Server 0.00008; TOPMed 0.00001; gnomAD 0.00003.
gnomAD v4.1: 26 of 1,613,886 alleles (0.0016%); highest among the groups gnomAD compares: African/African-American, 0.004%; no homozygotes.

Submissions (2):

Labcorp Genetics (formerly Invitae), Labcorp
Classification: Likely benign for Familial hemophagocytic lymphohistiocytosis 5. Last evaluated: 2026-01-28. Review status: criteria provided, single submitter. Criteria: Invitae Variant Classification Sherloc (09022015). Collection method: clinical testing. Allele origin: germline.

PreventionGenetics, part of Exact Sciences
Classification: Likely benign for STXBP2-related condition. Last evaluated: 2023-04-26. Review status: no assertion criteria provided. Collection method: clinical testing. Allele origin: germline. Not counted in ClinVar's aggregate classification.
Comment: This variant is classified as likely benign based on ACMG/AMP sequence variant interpretation guidelines (Richards et al. 2015 PMID: 25741868, with internal and published modifications).